The following is an entry in ClinVar:

NM_001044385.3(TMEM237):c.499A>G (p.Thr167Ala)

Gene: TMEM237 (transmembrane protein 237; minus strand). Cytogenetic location: 2q33.1.
Variant type: single nucleotide variant.
Coding change: c.499A>G on transcript NM_001044385.3 (MANE Select); coding-DNA position 499, A replaced by G.
Protein change: p.Thr167Ala; replaces threonine 167 with alanine.
Molecular consequence: missense variant.
Genome position (GRCh38, 1-based): chr2:201,632,105, T>C on the plus strand (A>G on the coding strand, the complement: TMEM237 is on the minus strand). VCF-style: chr2-201632105-T-C. GRCh37 (hg19) VCF-style: chr2-202496828-T-C.
Other names: c.475A>G, p.Thr159Ala (NM_152388.4); c.499A>G (NM_001044385.1); short protein forms T159A, T167A.
Identifiers: ClinVar variation 840034 (VCV000840034.14), dbSNP rs781571059, ClinGen allele CA2056469.

ClinVar aggregate classification (germline): Uncertain significance. Review status: criteria provided, multiple submitters, no conflicts (2 of 4 stars). 5 submissions from 5 submitters: Uncertain significance (4). 1 of the submissions does not count toward it. Last evaluated 2024-11-23.

Conditions:
Joubert syndrome 14 (JBTS14). Identifiers: MedGen C3280766, MONDO:0013745, OMIM 614424.
Inborn genetic diseases. Identifiers: MedGen C0950123, MeSH D030342.
Retinal dystrophy. Also called: Inherited retinal dystrophy. Identifiers: Orphanet 71862, MedGen C0854723, MeSH D058499, MONDO:0019118, HP:0000556.

Allele frequency attached by ClinVar (database versions not stated): ExAC 0.00007; gnomAD exomes 0.00008 and 0.00016; gnomAD 0.00010 and 0.00011; TOPMed 0.00012.
gnomAD v4.1: 244 of 1,613,860 alleles (0.015%); highest among the groups gnomAD compares: Non-Finnish European, 0.02%; no homozygotes.

Submissions (5):

Ambry Genetics
Classification: Uncertain significance for Inborn genetic diseases. Last evaluated: 2024-11-23. Review status: criteria provided, single submitter. Criteria: Ambry Variant Classification Scheme 2023. Collection method: clinical testing. Allele origin: germline.

Blueprint Genetics
Classification: Uncertain significance. Last evaluated: 2024-08-08. Review status: criteria provided, single submitter. Criteria: ACMG Guidelines, 2015. Collection method: clinical testing. Allele origin: germline.

Labcorp Genetics (formerly Invitae), Labcorp
Classification: Uncertain significance for Joubert syndrome 14. Last evaluated: 2022-09-27. Review status: criteria provided, single submitter. Criteria: Invitae Variant Classification Sherloc (09022015). Collection method: clinical testing. Allele origin: germline.
Comment: This sequence change replaces threonine, which is neutral and polar, with alanine, which is neutral and non-polar, at codon 167 of the TMEM237 protein (p.Thr167Ala). This variant is present in population databases (rs781571059, gnomAD 0.02%). This variant has not been reported in the literature in individuals affected with TMEM237-related conditions. ClinVar contains an entry for this variant (Variation ID: 840034). Advanced modeling of protein sequence and biophysical properties (such as structural, functional, and spatial information, amino acid conservation, physicochemical variation, residue mobility, and thermodynamic stability) performed at Invitae indicates that this missense variant is not expected to disrupt TMEM237 protein function. In summary, the available evidence is currently insufficient to determine the role of this variant in disease. Therefore, it has been classified as a Variant of Uncertain Significance.

Illumina Laboratory Services, Illumina
Classification: Uncertain significance for Joubert syndrome 14. Last evaluated: 2018-01-12. Review status: criteria provided, single submitter. Criteria: ICSL Variant Classification Criteria 13 December 2019. Collection method: clinical testing. Allele origin: germline.

Institute of Human Genetics, Univ. Regensburg, Univ. Regensburg
Classification: Uncertain significance for Retinal dystrophy. Last evaluated: 2023-01-01. Review status: no assertion criteria provided. Criteria: ACMG Guidelines, 2015. Collection method: clinical testing. Allele origin: germline. Affected: yes. Not counted in ClinVar's aggregate classification.